The following is an entry in ClinVar:

NM_003283.6(TNNT1):c.616C>T (p.Arg206Trp)

Gene: TNNT1 (troponin T1, slow skeletal type; minus strand). Cytogenetic location: 19q13.42.
Variant type: single nucleotide variant.
Coding change: c.616C>T on transcript NM_003283.6 (MANE Select); coding-DNA position 616, C replaced by T.
Protein change: p.Arg206Trp; replaces arginine 206 with tryptophan.
Molecular consequence: missense variant. On other transcripts: intron variant (3).
Genome position (GRCh38, 1-based): chr19:55,134,200, G>A on the plus strand (C>T on the coding strand, the complement: TNNT1 is on the minus strand). VCF-style: chr19-55134200-G-A. GRCh37 (hg19) VCF-style: chr19-55645568-G-A.
Other names: c.579-44C>T (NM_001126133.3, NM_001291774.2); c.612-44C>T (NM_001126132.3); short protein forms R206W.
Identifiers: ClinVar variation 1380433 (VCV001380433.8), dbSNP rs748222508, ClinGen allele CA9667337.

ClinVar aggregate classification (germline): Uncertain significance (1 of 4 stars; one submission).

Conditions:
Nemaline myopathy 5 (NEM5A). Also called: NEMALINE MYOPATHY, AMISH TYPE; Nemaline myopathy 5, Amish type; NEMALINE MYOPATHY 5A, AUTOSOMAL RECESSIVE, SEVERE INFANTILE. Identifiers: Orphanet 98902, MedGen C1854380, MONDO:0011539, OMIM 605355.

Allele frequency attached by ClinVar (database versions not stated): gnomAD 0.00001; TOPMed 0.00002.
gnomAD v4.1: 11 of 1,571,406 alleles (0.0007%); highest among the groups gnomAD compares: East Asian, 0.0023%; no homozygotes.

Submission:

Labcorp Genetics (formerly Invitae), Labcorp
Classification: Uncertain significance for Nemaline myopathy 5. Last evaluated: 2022-11-15. Review status: criteria provided, single submitter. Criteria: Invitae Variant Classification Sherloc (09022015). Collection method: clinical testing. Allele origin: germline.
Comment: This variant has not been reported in the literature in individuals affected with TNNT1-related conditions. The frequency data for this variant in the population databases is considered unreliable, as metrics indicate poor data quality at this position in the gnomAD database. This sequence change replaces arginine, which is basic and polar, with tryptophan, which is neutral and slightly polar, at codon 206 of the TNNT1 protein (p.Arg206Trp). In summary, the available evidence is currently insufficient to determine the role of this variant in disease. Therefore, it has been classified as a Variant of Uncertain Significance. Algorithms developed to predict the effect of missense changes on protein structure and function output the following: SIFT: "Tolerated"; PolyPhen-2: "Benign"; Align-GVGD: "Class C0". The tryptophan amino acid residue is found in multiple mammalian species, which suggests that this missense change does not adversely affect protein function. ClinVar contains an entry for this variant (Variation ID: 1380433).